The following is an entry in ClinVar:

NC_000006.11:g.(?_162622178)_(162623926_?)del

Gene: PRKN (parkin RBR E3 ubiquitin protein ligase; minus strand). Cytogenetic location: 6q26.
Variant type: Deletion.
Identifiers: ClinVar variation 2425160 (VCV002425160.4).

ClinVar aggregate classification (germline): Likely pathogenic (1 of 4 stars; one submission).

Submission:

Labcorp Genetics (formerly Invitae), Labcorp
Classification: Likely pathogenic. Last evaluated: 2022-04-20. Review status: criteria provided, single submitter. Criteria: Invitae Variant Classification Sherloc (09022015). Collection method: clinical testing. Allele origin: germline.
Comment: This variant results in the deletion of part of exon 4 (c.413-1642_519del) of the PRKN gene. It is expected to disrupt RNA splicing. Variants that disrupt the donor or acceptor splice site typically lead to a loss of protein function (PMID: 16199547), and loss-of-function variants in PRKN are known to be pathogenic (PMID: 10072423, 20301651, 22956510). This variant has not been reported in the literature in individuals affected with PRKN-related conditions. In summary, the currently available evidence indicates that the variant is pathogenic, but additional data are needed to prove that conclusively. Therefore, this variant has been classified as Likely Pathogenic.

Literature cited by the submitters: PubMed 16199547; PubMed 10072423; PubMed 20301651; PubMed 22956510.